The following is an entry in ClinVar:

NM_001159699.2(FHL1):c.401A>C (p.Lys134Thr)

Gene: FHL1 (four and a half LIM domains 1; plus strand). Cytogenetic location: Xq26.3.
Variant type: single nucleotide variant.
Coding change: c.401A>C on transcript NM_001159699.2 (MANE Select); coding-DNA position 401, A replaced by C.
Protein change: p.Lys134Thr; replaces lysine 134 with threonine.
Molecular consequence: missense variant. On other transcripts: non-coding transcript variant (1).
Genome position (GRCh38, 1-based): chrX:136,207,813, A>C. VCF-style: chrX-136207813-A-C. GRCh37 (hg19) VCF-style: chrX-135289972-A-C.
Other names: c.353A>C, p.Lys118Thr (NM_001369331.1, NM_001449.5, NM_001369327.2 and 9 more transcripts); c.440A>C, p.Lys147Thr (NM_001159701.2); c.401A>C, p.Lys134Thr (NM_001330659.2); short protein forms K147T, K118T, K134T.
Identifiers: ClinVar variation 1419806 (VCV001419806.3), dbSNP rs1457366238, ClinGen allele CA414608333.
Genomic context (GRCh38, chrX:136,207,813, plus strand): 5'-AGCCTGTCAGTGGGGCTATCCAATTGCTTCCCTCTGCAGGAGATCAAAACGTGGAGTACA[A>C]GGGGACCGTCTGGCACAAAGACTGCTTCACCTGTAGTAACTGCAAGCAAGTCATCGGGAC-3'
Protein context (NP_001153171.1, residues 124-144): IVAGDQNVEY[Lys134Thr]GTVWHKDCFT

ClinVar aggregate classification (germline): Uncertain significance (1 of 4 stars; one submission).

Conditions:
X-linked myopathy with postural muscle atrophy. Also called: FHL1-Related Emery-Dreifuss Muscular Dystrophy, X-Linked. Identifiers: Orphanet 178461, MedGen C2678055, MONDO:0010401, OMIM 300696.

Allele frequency attached by ClinVar (database versions not stated): gnomAD exomes 0.00001.

Submission:

Labcorp Genetics (formerly Invitae), Labcorp
Classification: Uncertain significance for X-linked myopathy with postural muscle atrophy. Last evaluated: 2022-08-21. Review status: criteria provided, single submitter. Criteria: Invitae Variant Classification Sherloc (09022015). Collection method: clinical testing. Allele origin: germline.
Comment: This sequence change replaces lysine, which is basic and polar, with threonine, which is neutral and polar, at codon 118 of the FHL1 protein (p.Lys118Thr). This variant is present in population databases (no rsID available, gnomAD 0.004%). This variant has not been reported in the literature in individuals affected with FHL1-related conditions. ClinVar contains an entry for this variant (Variation ID: 1419806). Algorithms developed to predict the effect of missense changes on protein structure and function (SIFT, PolyPhen-2, Align-GVGD) all suggest that this variant is likely to be disruptive. In summary, the available evidence is currently insufficient to determine the role of this variant in disease. Therefore, it has been classified as a Variant of Uncertain Significance.